The following is an entry in ClinVar:

NM_001372076.1(PAX9):c.384C>T (p.Arg128=)

Gene: PAX9 (paired box 9; plus strand). Cytogenetic location: 14q13.3.
Variant type: single nucleotide variant.
Coding change: c.384C>T on transcript NM_001372076.1 (MANE Select); coding-DNA position 384, C replaced by T.
Protein change: p.Arg128=; no amino-acid change (arginine 128 retained).
Molecular consequence: synonymous variant.
Genome position (GRCh38, 1-based): chr14:36,663,276, C>T. VCF-style: chr14-36663276-C-T. GRCh37 (hg19) VCF-style: chr14-37132481-C-T.
Other names: c.384C>T, p.Arg128= (NM_006194.4).
Identifiers: ClinVar variation 4996917 (VCV004996917.1).

ClinVar aggregate classification (germline): Likely benign (1 of 4 stars; one submission).

Conditions:
PAX9-related disorder. Also called: PAX9-related condition.

gnomAD v4.1: 13 of 1,614,104 alleles (0.00081%); highest among the groups gnomAD compares: African/African-American, 0.0013%; no homozygotes.

Submission:

PreventionGenetics, part of Exact Sciences
Classification: Likely benign for PAX9-related condition. Last evaluated: 2025-08-05. Review status: criteria provided, single submitter. Criteria: ACMG Guidelines, 2015. Collection method: clinical testing. Allele origin: germline.
Comment: This variant is classified as likely benign based on ACMG/AMP sequence variant interpretation guidelines (Richards et al. 2015 PMID: 25741868, with internal and published modifications).